The following is an entry in ClinVar:

NM_004973.4(JARID2):c.393G>C (p.Lys131Asn)

Gene: JARID2 (jumonji and AT-rich interaction domain containing 2; plus strand). Cytogenetic location: 6p22.3.
Variant type: single nucleotide variant.
Coding change: c.393G>C on transcript NM_004973.4 (MANE Select); coding-DNA position 393, G replaced by C.
Protein change: p.Lys131Asn; replaces lysine 131 with asparagine.
Molecular consequence: missense variant. On other transcripts: 5 prime UTR variant (1).
Genome position (GRCh38, 1-based): chr6:15,452,075, G>C. VCF-style: chr6-15452075-G-C. GRCh37 (hg19) VCF-style: chr6-15452306-G-C.
Other names: c.-124G>C (NM_001267040.1); short protein forms K131N.
Identifiers: ClinVar variation 2631267 (VCV002631267.1), dbSNP rs2127640967, ClinGen allele CA362869280.

ClinVar aggregate classification (germline): Uncertain significance (1 of 4 stars; one submission).

Conditions:
JARID2-related disorder. Also called: JARID2-related condition.

Submission:

PreventionGenetics, part of Exact Sciences
Classification: Uncertain significance for JARID2-related condition. Last evaluated: 2023-09-13. Review status: criteria provided, single submitter. Criteria: ACMG Guidelines, 2015. Collection method: clinical testing. Allele origin: germline.
Comment: The JARID2 c.393G>C variant is predicted to result in the amino acid substitution p.Lys131Asn. To our knowledge, this variant has not been reported in the literature or in a large population database, indicating this variant is rare. At this time, the clinical significance of this variant is uncertain due to the absence of conclusive functional and genetic evidence.